The following is an entry in ClinVar:

NM_003240.5(LEFTY2):c.775G>A (p.Glu259Lys)

Gene: LEFTY2 (left-right determination factor 2; minus strand). Cytogenetic location: 1q42.12.
Variant type: single nucleotide variant.
Coding change: c.775G>A on transcript NM_003240.5 (MANE Select); coding-DNA position 775, G replaced by A.
Protein change: p.Glu259Lys; replaces glutamic acid 259 with lysine.
Molecular consequence: missense variant.
Genome position (GRCh38, 1-based): chr1:225,937,767, C>T on the plus strand (G>A on the coding strand, the complement: LEFTY2 is on the minus strand). VCF-style: chr1-225937767-C-T. GRCh37 (hg19) VCF-style: chr1-226125467-C-T.
Other names: c.673G>A, p.Glu225Lys (NM_001172425.3); short protein forms E225K, E259K.
Identifiers: ClinVar variation 1401613 (VCV001401613.8), dbSNP rs1455571524, ClinGen allele CA345013539.

ClinVar aggregate classification (germline): Uncertain significance (1 of 4 stars; one submission).

Conditions:
Left-right axis malformations. Identifiers: MedGen C1866091.

Allele frequency attached by ClinVar (database versions not stated): gnomAD 0.00001; TOPMed 0.00001.

Submission:

Labcorp Genetics (formerly Invitae), Labcorp
Classification: Uncertain significance for Left-right axis malformations. Last evaluated: 2022-07-19. Review status: criteria provided, single submitter. Criteria: Invitae Variant Classification Sherloc (09022015). Collection method: clinical testing. Allele origin: germline.
Comment: This variant has not been reported in the literature in individuals affected with LEFTY2-related conditions. This variant is not present in population databases (gnomAD no frequency). This sequence change replaces glutamic acid, which is acidic and polar, with lysine, which is basic and polar, at codon 259 of the LEFTY2 protein (p.Glu259Lys). ClinVar contains an entry for this variant (Variation ID: 1401613). In summary, the available evidence is currently insufficient to determine the role of this variant in disease. Therefore, it has been classified as a Variant of Uncertain Significance. Algorithms developed to predict the effect of missense changes on protein structure and function output the following: SIFT: "Tolerated"; PolyPhen-2: "Benign"; Align-GVGD: "Class C0". The lysine amino acid residue is found in multiple mammalian species, which suggests that this missense change does not adversely affect protein function.